The following is an entry in ClinVar:

ClinVar aggregate classification (germline): Uncertain significance. Review status: criteria provided, multiple submitters, no conflicts (2 of 4 stars). 7 submissions from 7 submitters: Uncertain significance (6). 1 of the submissions does not count toward it. Last evaluated 2024-11-19.

Conditions:
SLC12A3-related disorder. Also called: SLC12A3-related condition.
Familial hypokalemia-hypomagnesemia (GTLMNS). Also called: HYPOMAGNESEMIA-HYPOKALEMIA, PRIMARY RENOTUBULAR, WITH HYPOCALCIURIA; POTASSIUM AND MAGNESIUM DEPLETION; gitelman syndrome. Identifiers: Orphanet 358, MedGen C0268450, MONDO:0009904, OMIM 263800.

Allele frequency attached by ClinVar (database versions not stated): ESP Exome Variant Server 0.00023; gnomAD 0.00003 and 0.00004; gnomAD exomes 0.00004; ExAC 0.00007; TOPMed 0.00011; 1000 Genomes Project 30x 0.00016; 1000 Genomes Project 0.00020.
gnomAD v4.1: 45 of 1,614,202 alleles (0.0028%); highest among the groups gnomAD compares: African/African-American, 0.0093%; 1 homozygote.

Submissions (7):

PreventionGenetics, part of Exact Sciences
Classification: Uncertain significance for SLC12A3-related condition. Last evaluated: 2024-11-19. Review status: criteria provided, single submitter. Criteria: ACMG Guidelines, 2015. Collection method: clinical testing. Allele origin: germline.
Comment: The SLC12A3 c.2990C>T variant is predicted to result in the amino acid substitution p.Ser997Leu. To our knowledge, this variant has not been reported in the literature. This variant is reported in 0.020% of alleles in individuals of African descent in gnomAD. At this time, the clinical significance of this variant is uncertain due to the absence of conclusive functional and genetic evidence.

Fulgent Genetics
Classification: Uncertain significance for Familial hypokalemia-hypomagnesemia. Last evaluated: 2024-04-18. Review status: criteria provided, single submitter. Criteria: ACMG Guidelines, 2015. Collection method: clinical testing. Allele origin: germline.

Labcorp Genetics (formerly Invitae), Labcorp
Classification: Uncertain significance. Last evaluated: 2022-03-02. Review status: criteria provided, single submitter. Criteria: Invitae Variant Classification Sherloc (09022015). Collection method: clinical testing. Allele origin: germline.
Comment: This sequence change replaces serine, which is neutral and polar, with leucine, which is neutral and non-polar, at codon 997 of the SLC12A3 protein (p.Ser997Leu). This variant is present in population databases (rs141867836, gnomAD 0.02%). This variant has not been reported in the literature in individuals affected with SLC12A3-related conditions. ClinVar contains an entry for this variant (Variation ID: 448396). Advanced modeling of protein sequence and biophysical properties (such as structural, functional, and spatial information, amino acid conservation, physicochemical variation, residue mobility, and thermodynamic stability) performed at Invitae indicates that this missense variant is not expected to disrupt SLC12A3 protein function. In summary, the available evidence is currently insufficient to determine the role of this variant in disease. Therefore, it has been classified as a Variant of Uncertain Significance.

Genome-Nilou Lab
Classification: Uncertain significance for Familial hypokalemia-hypomagnesemia. Last evaluated: 2021-07-15. Review status: criteria provided, single submitter. Criteria: ACMG Guidelines, 2015. Collection method: clinical testing. Allele origin: germline. Affected: no.

Illumina Laboratory Services, Illumina
Classification: Uncertain significance for Familial hypokalemia-hypomagnesemia. Last evaluated: 2018-01-13. Review status: criteria provided, single submitter. Criteria: ICSL Variant Classification Criteria 13 December 2019. Collection method: clinical testing. Allele origin: germline.

Athena Diagnostics
Classification: Uncertain significance. Last evaluated: 2017-05-31. Review status: criteria provided, single submitter. Criteria: Athena Diagnostics Criteria. Collection method: clinical testing. Allele origin: germline.

Natera, Inc.
Classification: Uncertain significance for Gitelman syndrome. Last evaluated: 2019-11-11. Review status: no assertion criteria provided. Collection method: clinical testing. Allele origin: germline. Not counted in ClinVar's aggregate classification.

NM_001126108.2(SLC12A3):c.2963C>T (p.Ser988Leu)

Genes: SLC12A3 (solute carrier family 12 member 3; plus strand), LOC126862361 (CDK7 strongly-dependent group 2 enhancer GRCh37_chr16:56946332-56947531; plus strand). Cytogenetic location: 16q13.
Variant type: single nucleotide variant.
Coding change: c.2963C>T on transcript NM_001126108.2 (MANE Select); coding-DNA position 2963, C replaced by T.
Protein change: p.Ser988Leu; replaces serine 988 with leucine.
Molecular consequence: missense variant.
Genome position (GRCh38, 1-based): chr16:56,913,302, C>T. VCF-style: chr16-56913302-C-T. GRCh37 (hg19) VCF-style: chr16-56947214-C-T.
Other names: c.2990C>T, p.Ser997Leu (NM_000339.3); c.2987C>T, p.Ser996Leu (NM_001126107.2); short protein forms S997L, S996L, S988L.
Identifiers: ClinVar variation 448396 (VCV000448396.14), dbSNP rs141867836, ClinGen allele CA8070176.